The following is an entry in ClinVar:

NM_001375524.1(TRRAP):c.8081C>G (p.Pro2694Arg)

Gene: TRRAP (transformation/transcription domain associated protein; plus strand). Cytogenetic location: 7q22.1.
Variant type: single nucleotide variant.
Coding change: c.8081C>G on transcript NM_001375524.1 (MANE Select); coding-DNA position 8081, C replaced by G.
Protein change: p.Pro2694Arg; replaces proline 2694 with arginine.
Molecular consequence: missense variant.
Genome position (GRCh38, 1-based): chr7:98,976,604, C>G. VCF-style: chr7-98976604-C-G. GRCh37 (hg19) VCF-style: chr7-98574227-C-G.
Other names: c.8060C>G, p.Pro2687Arg (NM_001244580.2); c.8006C>G, p.Pro2669Arg (NM_003496.4); short protein forms P2669R, P2694R, P2687R.
Identifiers: ClinVar variation 3675999 (VCV003675999.2).

ClinVar aggregate classification (germline): Uncertain significance (1 of 4 stars; one submission).

gnomAD v4.1: 1 of 1,614,220 alleles (0.000062%); highest among the groups gnomAD compares: Non-Finnish European, 0.000085%; no homozygotes.

Submission:

Labcorp Genetics (formerly Invitae), Labcorp
Classification: Uncertain significance. Last evaluated: 2025-01-22. Review status: criteria provided, single submitter. Criteria: Invitae Variant Classification Sherloc (09022015). Collection method: clinical testing. Allele origin: germline.
Comment: This sequence change replaces proline, which is neutral and non-polar, with arginine, which is basic and polar, at codon 2669 of the TRRAP protein (p.Pro2669Arg). This variant is not present in population databases (gnomAD no frequency). This variant has not been reported in the literature in individuals affected with TRRAP-related conditions. Invitae Evidence Modeling of protein sequence and biophysical properties (such as structural, functional, and spatial information, amino acid conservation, physicochemical variation, residue mobility, and thermodynamic stability) indicates that this missense variant is not expected to disrupt TRRAP protein function with a negative predictive value of 80%. In summary, the available evidence is currently insufficient to determine the role of this variant in disease. Therefore, it has been classified as a Variant of Uncertain Significance.